The following is an entry in ClinVar:

ClinVar aggregate classification (germline): Pathogenic/Likely pathogenic. Review status: criteria provided, multiple submitters, no conflicts (2 of 4 stars). 3 submissions from 3 submitters: Pathogenic (2); Likely pathogenic (1). Last evaluated 2025-10-27.

Conditions:
RHO-related disorder. Also called: RHO-related condition.
Retinitis pigmentosa (RP). Identifiers: Orphanet 791, MedGen C0035334, MeSH D012174, MONDO:0019200, OMIM 268000. Inheritance: Autosomal dominant, autosomal recessive and X linked inheritance.

Submissions (3):

Labcorp Genetics (formerly Invitae), Labcorp
Classification: Pathogenic. Last evaluated: 2025-10-27. Review status: criteria provided, single submitter. Criteria: Invitae Variant Classification Sherloc (09022015). Collection method: clinical testing. Allele origin: germline.
Comment: This sequence change replaces proline, which is neutral and non-polar, with arginine, which is basic and polar, at codon 171 of the RHO protein (p.Pro171Arg). This variant is not present in population databases (gnomAD no frequency). This missense change has been observed in individuals with autosomal dominant retinitis pigmentosa (PMID: 28559085, 32037395; internal data). ClinVar contains an entry for this variant (Variation ID: 938969). Invitae Evidence Modeling of protein sequence and biophysical properties (such as structural, functional, and spatial information, amino acid conservation, physicochemical variation, residue mobility, and thermodynamic stability) indicates that this missense variant is expected to disrupt RHO protein function with a positive predictive value of 95%. This variant disrupts the p.Pro171 amino acid residue in RHO. Other variant(s) that disrupt this residue have been determined to be pathogenic (PMID: 1833777, 28559085). This suggests that this residue is clinically significant, and that variants that disrupt this residue are likely to be disease-causing. For these reasons, this variant has been classified as Pathogenic.

Institute of Medical Genetics and Applied Genomics, University Hospital Tübingen
Classification: Likely pathogenic for Retinitis pigmentosa. Last evaluated: 2023-11-06. Review status: criteria provided, single submitter. Criteria: ACMG Guidelines, 2015. Collection method: clinical testing. Allele origin: germline. Inheritance: Autosomal dominant inheritance. Affected: yes.

Blueprint Genetics
Classification: Pathogenic for RHO-related disorders. Last evaluated: 2022-05-03. Review status: criteria provided, single submitter. Criteria: ACMG Guidelines, 2015. Collection method: clinical testing. Allele origin: germline. Affected: yes. Observed: 5 variant alleles.

Literature cited by the submitters: PubMed 28559085 (cited by Labcorp Genetics (formerly Invitae), Labcorp); PubMed 32037395 (cited by Labcorp Genetics (formerly Invitae), Labcorp); PubMed 1833777 (cited by Labcorp Genetics (formerly Invitae), Labcorp).

NM_000539.3(RHO):c.512C>G (p.Pro171Arg)

Gene: RHO (rhodopsin; plus strand). Cytogenetic location: 3q22.1.
Variant type: single nucleotide variant.
Coding change: c.512C>G on transcript NM_000539.3 (MANE Select); coding-DNA position 512, C replaced by G.
Protein change: p.Pro171Arg; replaces proline 171 with arginine.
Molecular consequence: missense variant.
Genome position (GRCh38, 1-based): chr3:129,531,026, C>G. VCF-style: chr3-129531026-C-G. GRCh37 (hg19) VCF-style: chr3-129249869-C-G.
Other names: short protein forms P171R.
Identifiers: ClinVar variation 938969 (VCV000938969.10), dbSNP rs2084776162, ClinGen allele CA354498731.
Genomic context (GRCh38, chr3:129,531,026, plus strand): 5'-ACCATGCCATCATGGGCGTTGCCTTCACCTGGGTCATGGCGCTGGCCTGCGCCGCACCCC[C>G]ACTCGCCGGCTGGTCCAGGTAATGGCACTGAGCAGAAGGGAAGAAGCTCCGGGGGCTCTT-3'
Protein context (NP_000530.1, residues 161-181): WVMALACAAP[Pro171Arg]LAGWSRYIPE